The following is an entry in ClinVar:

ClinVar aggregate classification (germline): Uncertain significance (1 of 4 stars; one submission).

Submission:

Labcorp Genetics (formerly Invitae), Labcorp
Classification: Uncertain significance. Last evaluated: 2024-04-06. Review status: criteria provided, single submitter. Criteria: Invitae Variant Classification Sherloc (09022015). Collection method: clinical testing. Allele origin: germline.
Comment: This sequence change replaces aspartic acid, which is acidic and polar, with histidine, which is basic and polar, at codon 100 of the IHH protein (p.Asp100His). This variant is not present in population databases (gnomAD no frequency). This variant has not been reported in the literature in individuals affected with IHH-related conditions. Advanced modeling of protein sequence and biophysical properties (such as structural, functional, and spatial information, amino acid conservation, physicochemical variation, residue mobility, and thermodynamic stability) performed at Invitae indicates that this missense variant is expected to disrupt IHH protein function with a positive predictive value of 80%. This variant disrupts the p.Asp100 amino acid residue in IHH. Other variant(s) that disrupt this residue have been determined to be pathogenic (PMID: 11455389, 12384778, 32209048). This suggests that this residue is clinically significant, and that variants that disrupt this residue are likely to be disease-causing. In summary, the available evidence is currently insufficient to determine the role of this variant in disease. Therefore, it has been classified as a Variant of Uncertain Significance.

Literature cited by the submitters: PubMed 11455389; PubMed 12384778; PubMed 32209048.

NM_002181.4(IHH):c.298G>C (p.Asp100His)

Gene: IHH (Indian hedgehog signaling molecule; minus strand). Cytogenetic location: 2q35.
Variant type: single nucleotide variant.
Coding change: c.298G>C on transcript NM_002181.4 (MANE Select); coding-DNA position 298, G replaced by C.
Protein change: p.Asp100His; replaces aspartic acid 100 with histidine.
Molecular consequence: missense variant.
Genome position (GRCh38, 1-based): chr2:219,060,170, C>G on the plus strand (G>C on the coding strand, the complement: IHH is on the minus strand). VCF-style: chr2-219060170-C-G. GRCh37 (hg19) VCF-style: chr2-219924892-C-G.
Other names: short protein forms D100H.
Identifiers: ClinVar variation 3649009 (VCV003649009.2).
Genomic context (GRCh38, chr2:219,060,170, plus strand): 5'-CGTGCTTCGGTGGCGGCGCGCTGGTAGGGCGGATCGCGCTCACCTGGGTCATGAGGCGGT[C>G]GGCGCCTGTGTTCTCCTCGTCCTTGAAGATGATGTCTGGATTGTAATTGGGGGTGAGCTC-3'
Protein context (NP_002172.2, residues 90-110): IFKDEENTGA[Asp100His]RLMTQRCKDR